The following is an entry in ClinVar:

NM_001267550.2(TTN):c.101236C>T (p.Arg33746Cys)

Genes: TTN (titin; minus strand), TTN-AS1 (TTN antisense RNA 1; plus strand). Cytogenetic location: 2q31.2.
Variant type: single nucleotide variant.
Coding change: c.101236C>T on transcript NM_001267550.2 (MANE Select); coding-DNA position 101236, C replaced by T.
Protein change: p.Arg33746Cys; replaces arginine 33746 with cysteine.
Molecular consequence: missense variant.
Genome position (GRCh38, 1-based): chr2:178,535,379, G>A on the plus strand (C>T on the coding strand, the complement: TTN is on the minus strand). VCF-style: chr2-178535379-G-A. GRCh37 (hg19) VCF-style: chr2-179400106-G-A.
Other names: c.96313C>T, p.Arg32105Cys (NM_001256850.1); c.74041C>T, p.Arg24681Cys (NM_003319.4); c.93532C>T, p.Arg31178Cys (NM_133378.4); c.74416C>T, p.Arg24806Cys (NM_133432.3); c.74617C>T, p.Arg24873Cys (NM_133437.4); short protein forms R31178C, R33746C, R24806C, R32105C, R24681C, R24873C.
Identifiers: ClinVar variation 191825 (VCV000191825.11), dbSNP rs199594729, ClinGen allele CA237641.
Genomic context (GRCh38, chr2:178,535,379, plus strand): 5'-TTTCAGCTATTACCCGGAACTGGTAACTTGTTTTTCCAAATAAGTTGATCACGGTATAAC[G>A]TGTTTCTCGGGCCTGTCCTACACGGAGCCATCTTTCTGCAGTAGTTGCACATTTTTCAAC-3'
Protein context (NP_001254479.2, residues 33736-33756): WLRVGQARET[Arg33746Cys]YTVINLFGKT

ClinVar aggregate classification (germline): Uncertain significance. Review status: criteria provided, multiple submitters, no conflicts (2 of 4 stars). 3 submissions from 3 submitters: Uncertain significance (3). Last evaluated 2025-10-27.

Conditions:
Cardiovascular phenotype. Identifiers: MedGen CN230736.
Dilated cardiomyopathy 1G (CMD1G). Identifiers: Orphanet 154, MedGen C1858763, MONDO:0011400, OMIM 604145.
Autosomal recessive limb-girdle muscular dystrophy type 2J (LGMDR10). Also called: Limb-girdle muscular dystrophy, type 2J; MUSCULAR DYSTROPHY, LIMB-GIRDLE, AUTOSOMAL RECESSIVE 10. Identifiers: Orphanet 140922, MedGen C1837342, MONDO:0012127, OMIM 608807.

Allele frequency attached by ClinVar (database versions not stated): gnomAD exomes 0.00001 and 0.00002; ExAC 0.00002; gnomAD 0.00003 and 0.00004; TOPMed 0.00006.
gnomAD v4.1: 16 of 1,613,734 alleles (0.00099%); highest among the groups gnomAD compares: Admixed American, 0.005%; no homozygotes.

Submissions (3):

Labcorp Genetics (formerly Invitae), Labcorp
Classification: Uncertain significance for Dilated cardiomyopathy 1G; Autosomal recessive limb-girdle muscular dystrophy type 2J. Last evaluated: 2025-10-27. Review status: criteria provided, single submitter. Criteria: Invitae Variant Classification Sherloc (09022015). Collection method: clinical testing. Allele origin: germline.
Comment: This sequence change replaces arginine, which is basic and polar, with cysteine, which is neutral and slightly polar, at codon 33746 of the TTN protein (p.Arg33746Cys). This variant is present in population databases (rs199594729, gnomAD 0.006%). This variant has not been reported in the literature in individuals affected with TTN-related conditions. ClinVar contains an entry for this variant (Variation ID: 191825). Experimental studies and prediction algorithms are not available or were not evaluated, and the functional significance of this variant is currently unknown. This variant is located in the M band of TTN (PMID: 25589632). Non-truncating variants in this region may be relevant for neuromuscular disorders, but have not been definitively shown to cause cardiomyopathy (PMID: 23975875). In summary, the available evidence is currently insufficient to determine the role of this variant in disease. Therefore, it has been classified as a Variant of Uncertain Significance.

Ambry Genetics
Classification: Uncertain significance for Cardiovascular phenotype. Last evaluated: 2019-10-08. Review status: criteria provided, single submitter. Criteria: Ambry Variant Classification Scheme 2023. Collection method: clinical testing. Allele origin: germline.
Comment: The p.R24681C variant (also known as c.74041C>T), located in coding exon 185 of the TTN gene, results from a C to T substitution at nucleotide position 74041. The arginine at codon 24681 is replaced by cysteine, an amino acid with highly dissimilar properties. This amino acid position is not well conserved in available vertebrate species. In addition, this alteration is predicted to be tolerated by in silico analysis. Since supporting evidence is limited at this time, the clinical significance of this alteration remains unclear.

Biesecker Lab/Clinical Genomics Section, National Institutes of Health
Classification: Uncertain significance. Last evaluated: 2013-06-24. Review status: criteria provided, single submitter. Criteria: Ng et al. (Circ Cardiovasc Genet. 2013). Collection method: research. Allele origin: unknown. Observed: 1 variant allele. Study: ClinSeq.
Comment: The study set was not selected for affection status in relation to any cancer. Pathogenicity categories were based on literature curation. See Pubmed ID:23861362 for details.

Medical sequencing

Literature cited by the submitters: PubMed 25589632 (cited by Labcorp Genetics (formerly Invitae), Labcorp); PubMed 23975875 (cited by Labcorp Genetics (formerly Invitae), Labcorp).